The following is an entry in ClinVar:

NM_015267.4(CUX2):c.1612G>T (p.Gly538Cys)

Gene: CUX2 (cut like homeobox 2; plus strand). Cytogenetic location: 12q24.12.
Variant type: single nucleotide variant.
Coding change: c.1612G>T on transcript NM_015267.4 (MANE Select); coding-DNA position 1612, G replaced by T.
Protein change: p.Gly538Cys; replaces glycine 538 with cysteine.
Molecular consequence: missense variant.
Genome position (GRCh38, 1-based): chr12:111,310,394, G>T. VCF-style: chr12-111310394-G-T. GRCh37 (hg19) VCF-style: chr12-111748198-G-T.
Other names: c.1426G>T, p.Gly476Cys (NM_001370598.1); short protein forms G476C, G538C.
Identifiers: ClinVar variation 4990728 (VCV004990728.1).

ClinVar aggregate classification (germline): Uncertain significance (1 of 4 stars; one submission).

Conditions:
CUX2-related disorder. Also called: CUX2-related condition.

gnomAD v4.1: 1 of 1,606,998 alleles (0.000062%); highest among the groups gnomAD compares: Non-Finnish European, 0.000085%; no homozygotes.

Submission:

PreventionGenetics, part of Exact Sciences
Classification: Uncertain significance for CUX2-related condition. Last evaluated: 2025-11-15. Review status: criteria provided, single submitter. Criteria: ACMG Guidelines, 2015. Collection method: clinical testing. Allele origin: germline.
Comment: The CUX2 c.1612G>T variant is predicted to result in the amino acid substitution p.Gly538Cys. To our knowledge, this variant has not been reported in the literature or in a large population database (gnomAD), indicating this variant is rare. At this time, the clinical significance of this variant is uncertain due to the absence of conclusive functional and genetic evidence.